The following is an entry in ClinVar:

ClinVar aggregate classification (germline): Conflicting classifications of pathogenicity. Review status: criteria provided, conflicting classifications (1 of 4 stars). 2 submissions from 2 submitters: Uncertain significance (1); Likely benign (1). Last evaluated 2021-01-13.

Conditions:
Brugada syndrome 4 (BRGDA4). Identifiers: Orphanet 130, MedGen C2678477, MONDO:0012743, OMIM 611876.
Cardiovascular phenotype. Identifiers: MedGen CN230736.

Submissions (2):

Labcorp Genetics (formerly Invitae), Labcorp
Classification: Uncertain significance for Brugada syndrome 4. Last evaluated: 2021-01-13. Review status: criteria provided, single submitter. Criteria: Invitae Variant Classification Sherloc (09022015). Collection method: clinical testing. Allele origin: germline.
Comment: In summary, the available evidence is currently insufficient to determine the role of this variant in disease. Therefore, it has been classified as a Variant of Uncertain Significance. Algorithms developed to predict the effect of missense changes on protein structure and function output the following: SIFT: "Tolerated"; PolyPhen-2: "Benign"; Align-GVGD: "Class C0". The valine amino acid residue is found in multiple mammalian species, suggesting that this missense change does not adversely affect protein function. These predictions have not been confirmed by published functional studies and their clinical significance is uncertain. This variant has not been reported in the literature in individuals with CACNB2-related conditions. This variant is not present in population databases (ExAC no frequency). This sequence change replaces leucine with valine at codon 433 of the CACNB2 protein (p.Leu433Val). The leucine residue is weakly conserved and there is a small physicochemical difference between leucine and valine.

Ambry Genetics
Classification: Likely benign for Cardiovascular phenotype. Last evaluated: 2019-05-14. Review status: criteria provided, single submitter. Criteria: Ambry Variant Classification Scheme 2023. Collection method: clinical testing. Allele origin: germline.

NM_201596.3(CACNB2):c.1459C>G (p.Leu487Val)

Gene: CACNB2 (calcium voltage-gated channel auxiliary subunit beta 2; plus strand). Cytogenetic location: 10p12.31.
Variant type: single nucleotide variant.
Coding change: c.1459C>G on transcript NM_201596.3 (MANE Select); coding-DNA position 1459, C replaced by G.
Protein change: p.Leu487Val; replaces leucine 487 with valine.
Molecular consequence: missense variant.
Genome position (GRCh38, 1-based): chr10:18,538,336, C>G. VCF-style: chr10-18538336-C-G. GRCh37 (hg19) VCF-style: chr10-18827265-C-G.
Other names: c.1294C>G, p.Leu432Val (NM_000724.4); c.1261C>G, p.Leu421Val (NM_001167945.2); c.1180C>G, p.Leu394Val (NM_001330060.2); c.1315C>G, p.Leu439Val (NM_201570.3); c.1375C>G, p.Leu459Val (NM_201571.4); c.1303C>G, p.Leu435Val (NM_201572.4); c.1297C>G, p.Leu433Val (NM_201590.3); c.1345C>G, p.Leu449Val (NM_201593.3); and 1 more; short protein forms L433V, L435V, L459V, L432V, L439V, L449V, L487V, L394V.
Identifiers: ClinVar variation 1446276 (VCV001446276.10), dbSNP rs2133325170, ClinGen allele CA376070603.